The following is an entry in ClinVar:

NM_033380.3(COL4A5):c.3932del (p.Pro1311fs)

Gene: COL4A5 (collagen type IV alpha 5 chain; plus strand). Cytogenetic location: Xq22.3.
Variant type: Deletion.
Coding change: c.3932del on transcript NM_033380.3 (MANE Select); coding-DNA position 3932, one base deleted (C; older notation c.3932delC).
Protein change: p.Pro1311fs; shifts the reading frame from proline 1311.
Molecular consequence: frameshift variant.
Genome position (GRCh38, 1-based): chrX:108,677,623, C deleted; the last of 2 consecutive C bases (chrX:108,677,622-108,677,623); deleting either gives the same sequence. VCF-style (leftmost placement, unchanged base first): chrX-108677621-AC-A. GRCh37 (hg19) VCF-style: chrX-107920851-AC-A.
Other names: c.3914del, p.Pro1305fs (NM_000495.5); short protein forms P1305fs, P1311fs.
Identifiers: ClinVar variation 1072617 (VCV001072617.7), dbSNP rs2147975121, ClinGen allele CA2499226326.

ClinVar aggregate classification (germline): Pathogenic (1 of 4 stars; one submission).

Submission:

Labcorp Genetics (formerly Invitae), Labcorp
Classification: Pathogenic. Last evaluated: 2020-02-07. Review status: criteria provided, single submitter. Criteria: Invitae Variant Classification Sherloc (09022015). Collection method: clinical testing. Allele origin: germline.
Comment: This variant has not been reported in the literature in individuals with COL4A5-related conditions. Loss-of-function variants in COL4A5 are known to be pathogenic (PMID: 9195222, 10752524, 14514738, 24854265, 26809805). For these reasons, this variant has been classified as Pathogenic. This sequence change creates a premature translational stop signal (p.Pro1305Glnfs*15) in the COL4A5 gene. It is expected to result in an absent or disrupted protein product. This variant is not present in population databases (ExAC no frequency).

Literature cited by the submitters: PubMed 9195222; PubMed 10752524; PubMed 14514738; PubMed 24854265; PubMed 26809805.